The following is an entry in ClinVar:

ClinVar aggregate classification (germline): Pathogenic (0 of 4 stars; one submission).

Conditions:
Fanconi anemia complementation group A (FANCA). Also called: Fanconi anemia, group A; FANCA-Related Fanconi Anemia. Identifiers: Orphanet 84, MedGen C3469521, MONDO:0009215, OMIM 227650.

Submission:

Leiden Open Variation Database
Classification: Pathogenic for Fanconi anemia complementation group A. Last evaluated: 2020-02-28. Review status: no assertion criteria provided. Collection method: curation. Allele origin: germline. Affected: yes.
Comment: Curator: Arleen D. Auerbach. Submitter to LOVD: Arleen D. Auerbach.

NM_000135.4(FANCA):c.1226-6_1226-2del

Gene: FANCA (FA complementation group A; minus strand). Cytogenetic location: 16q24.3.
Variant type: Deletion.
Coding change: c.1226-6_1226-2del on transcript NM_000135.4 (MANE Select); 6 bases into the intron before coding-DNA position 1226 through the canonical splice acceptor site of the intron before coding-DNA position 1226, 5 bases deleted (AACTA; older notation c.1226-6_1226-2delAACTA).
Molecular consequence: splice acceptor variant.
Genome position (GRCh38, 1-based): chr16:89,791,538-89,791,542, TAGTT deleted on the plus strand (AACTA on the coding strand, the reverse complement: FANCA is on the minus strand). VCF-style (leftmost placement, unchanged base first): chr16-89791537-CTAGTT-C. GRCh37 (hg19) VCF-style: chr16-89857945-CTAGTT-C.
Other names: c.1226-6_1226-2del (NM_001286167.3).
Identifiers: ClinVar variation 974011 (VCV000974011.1), dbSNP rs2040076730, ClinGen allele CA1139664961.